The following is an entry in ClinVar:

NM_016284.5(CNOT1):c.5182G>A (p.Val1728Met)

Gene: CNOT1 (CCR4-NOT transcription complex subunit 1; minus strand). Cytogenetic location: 16q21.
Variant type: single nucleotide variant.
Coding change: c.5182G>A on transcript NM_016284.5 (MANE Select); coding-DNA position 5182, G replaced by A.
Protein change: p.Val1728Met; replaces valine 1728 with methionine.
Molecular consequence: missense variant. On other transcripts: non-coding transcript variant (1).
Genome position (GRCh38, 1-based): chr16:58,538,220, C>T on the plus strand (G>A on the coding strand, the complement: CNOT1 is on the minus strand). VCF-style: chr16-58538220-C-T. GRCh37 (hg19) VCF-style: chr16-58572124-C-T.
Other names: c.5167G>A, p.Val1723Met (NM_001265612.2); short protein forms V1723M, V1728M.
Identifiers: ClinVar variation 2756633 (VCV002756633.3), dbSNP rs2543871838, ClinGen allele CA396165549.
Genomic context (GRCh38, chr16:58,538,220, plus strand): 5'-GCGCTAGGTGAAGATCATACTGCTGCATATTAACCAAATGATTGCGAATTAGCAGCTCCA[C>T]AGCCTCCACATTATATTTATATTCATCTCGACATTCAATTAGGCACCTAGAAAAAGTTCA-3'
Protein context (NP_057368.3, residues 1718-1738): RDEYKYNVEA[Val1728Met]ELLIRNHLVN

ClinVar aggregate classification (germline): Uncertain significance (1 of 4 stars; one submission).

Submission:

Labcorp Genetics (formerly Invitae), Labcorp
Classification: Uncertain significance. Last evaluated: 2023-10-06. Review status: criteria provided, single submitter. Criteria: Invitae Variant Classification Sherloc (09022015). Collection method: clinical testing. Allele origin: germline.
Comment: This sequence change replaces valine, which is neutral and non-polar, with methionine, which is neutral and non-polar, at codon 1723 of the CNOT1 protein (p.Val1723Met). This variant is not present in population databases (gnomAD no frequency). This variant has not been reported in the literature in individuals affected with CNOT1-related conditions. An algorithm developed to predict the effect of missense changes on protein structure and function (PolyPhen-2) suggests that this variant is likely to be disruptive. In summary, the available evidence is currently insufficient to determine the role of this variant in disease. Therefore, it has been classified as a Variant of Uncertain Significance.